The following is an entry in ClinVar:

NM_001029883.3(PCARE):c.1892C>T (p.Ala631Val)

Gene: PCARE (photoreceptor cilium actin regulator; minus strand). Cytogenetic location: 2p23.2.
Variant type: single nucleotide variant.
Coding change: c.1892C>T on transcript NM_001029883.3 (MANE Select); coding-DNA position 1892, C replaced by T.
Protein change: p.Ala631Val; replaces alanine 631 with valine.
Molecular consequence: missense variant.
Genome position (GRCh38, 1-based): chr2:29,072,370, G>A on the plus strand (C>T on the coding strand, the complement: PCARE is on the minus strand). VCF-style: chr2-29072370-G-A. GRCh37 (hg19) VCF-style: chr2-29295236-G-A.
Other names: short protein forms A631V.
Identifiers: ClinVar variation 897958 (VCV000897958.5), dbSNP rs369935946, ClinGen allele CA1592334.

ClinVar aggregate classification (germline): Uncertain significance. Review status: criteria provided, multiple submitters, no conflicts (2 of 4 stars). 2 submissions from 2 submitters: Uncertain significance (2). Last evaluated 2022-03-09.

Conditions:
Retinitis pigmentosa (RP). Identifiers: Orphanet 791, MedGen C0035334, MeSH D012174, MONDO:0019200, OMIM 268000. Inheritance: Autosomal dominant, autosomal recessive and X linked inheritance.

Allele frequency attached by ClinVar (database versions not stated): gnomAD 0.00002; ExAC 0.00003; gnomAD exomes 0.00003 and 0.00007; TOPMed 0.00003; ESP Exome Variant Server 0.00008.
gnomAD v4.1: 103 of 1,613,956 alleles (0.0064%); highest among the groups gnomAD compares: Non-Finnish European, 0.0086%; no homozygotes.

Submissions (2):

Labcorp Genetics (formerly Invitae), Labcorp
Classification: Uncertain significance. Last evaluated: 2022-03-09. Review status: criteria provided, single submitter. Criteria: Invitae Variant Classification Sherloc (09022015). Collection method: clinical testing. Allele origin: germline.
Comment: This sequence change replaces alanine, which is neutral and non-polar, with valine, which is neutral and non-polar, at codon 631 of the PCARE protein (p.Ala631Val). This variant is present in population databases (rs369935946, gnomAD 0.006%). This variant has not been reported in the literature in individuals affected with PCARE-related conditions. ClinVar contains an entry for this variant (Variation ID: 897958). Algorithms developed to predict the effect of missense changes on protein structure and function are either unavailable or do not agree on the potential impact of this missense change (SIFT: "Deleterious"; PolyPhen-2: "Benign"; Align-GVGD: "Class C0"). In summary, the available evidence is currently insufficient to determine the role of this variant in disease. Therefore, it has been classified as a Variant of Uncertain Significance.

Illumina Laboratory Services, Illumina
Classification: Uncertain significance for Retinitis pigmentosa. Last evaluated: 2017-04-27. Review status: criteria provided, single submitter. Criteria: ICSL Variant Classification Criteria 13 December 2019. Collection method: clinical testing. Allele origin: germline.